The following is an entry in ClinVar:

NM_000787.4(DBH):c.511G>A (p.Gly171Arg)

Gene: DBH (dopamine beta-hydroxylase; plus strand). Cytogenetic location: 9q34.2.
Variant type: single nucleotide variant.
Coding change: c.511G>A on transcript NM_000787.4 (MANE Select); coding-DNA position 511, G replaced by A.
Protein change: p.Gly171Arg; replaces glycine 171 with arginine.
Molecular consequence: missense variant.
Genome position (GRCh38, 1-based): chr9:133,642,231, G>A. VCF-style: chr9-133642231-G-A. GRCh37 (hg19) VCF-style: chr9-136507353-G-A.
Other names: short protein forms G171R.
Identifiers: ClinVar variation 2039511 (VCV002039511.1), dbSNP rs749447929, ClinGen allele CA5313103.

ClinVar aggregate classification (germline): Uncertain significance (1 of 4 stars; one submission).

Conditions:
Orthostatic hypotension 1 (ORTHYP1). Also called: NORADRENALINE DEFICIENCY; NOREPINEPHRINE DEFICIENCY; Orthostatic hypotension 1, due to DBH deficiency; Dopamine beta-hydroxylase deficiency. Identifiers: Orphanet 230, MedGen C4746777, MONDO:0009123, OMIM 223360.

Allele frequency attached by ClinVar (database versions not stated): TOPMed 0.00002; ExAC 0.00003.

Submission:

Labcorp Genetics (formerly Invitae), Labcorp
Classification: Uncertain significance for Orthostatic hypotension 1. Last evaluated: 2022-06-24. Review status: criteria provided, single submitter. Criteria: Invitae Variant Classification Sherloc (09022015). Collection method: clinical testing. Allele origin: germline.
Comment: This sequence change replaces glycine, which is neutral and non-polar, with arginine, which is basic and polar, at codon 171 of the DBH protein (p.Gly171Arg). This variant is present in population databases (rs749447929, gnomAD 0.006%). This variant has not been reported in the literature in individuals affected with DBH-related conditions. Algorithms developed to predict the effect of missense changes on protein structure and function are either unavailable or do not agree on the potential impact of this missense change (SIFT: "Deleterious"; PolyPhen-2: "Probably Damaging"; Align-GVGD: "Class C0"). Algorithms developed to predict the effect of sequence changes on RNA splicing suggest that this variant may create or strengthen a splice site. In summary, the available evidence is currently insufficient to determine the role of this variant in disease. Therefore, it has been classified as a Variant of Uncertain Significance.